The following is an entry in ClinVar:

NM_001130823.3(DNMT1):c.926T>G (p.Leu309Arg)

Gene: DNMT1 (DNA methyltransferase 1; minus strand). Cytogenetic location: 19p13.2.
Variant type: single nucleotide variant.
Coding change: c.926T>G on transcript NM_001130823.3 (MANE Select); coding-DNA position 926, T replaced by G.
Protein change: p.Leu309Arg; replaces leucine 309 with arginine.
Molecular consequence: missense variant.
Genome position (GRCh38, 1-based): chr19:10,163,326, A>C on the plus strand (T>G on the coding strand, the complement: DNMT1 is on the minus strand). VCF-style: chr19-10163326-A-C. GRCh37 (hg19) VCF-style: chr19-10274002-A-C.
Other names: c.878T>G, p.Leu293Arg (NM_001318730.2, NM_001379.4); c.563T>G, p.Leu188Arg (NM_001318731.2); short protein forms L188R, L293R, L309R.
Identifiers: ClinVar variation 1719875 (VCV001719875.5), dbSNP rs2513847098, ClinGen allele CA403940938.

ClinVar aggregate classification (germline): Uncertain significance (1 of 4 stars; one submission).

Conditions:
Hereditary sensory neuropathy-deafness-dementia syndrome. Also called: NEUROPATHY, HEREDITARY SENSORY, WITH HEARING LOSS AND DEMENTIA; Hereditary Sensory and Autonomic Neuropathy Type 1E (HSAN1E); HSN IE; Hereditary sensory neuropathy type IE. Identifiers: Orphanet 456318, MedGen C3279885, MONDO:0013584, OMIM 614116.

Submission:

Labcorp Genetics (formerly Invitae), Labcorp
Classification: Uncertain significance for Hereditary sensory neuropathy-deafness-dementia syndrome. Last evaluated: 2022-09-20. Review status: criteria provided, single submitter. Criteria: Invitae Variant Classification Sherloc (09022015). Collection method: clinical testing. Allele origin: germline.
Comment: In summary, the available evidence is currently insufficient to determine the role of this variant in disease. Therefore, it has been classified as a Variant of Uncertain Significance. Algorithms developed to predict the effect of missense changes on protein structure and function are either unavailable or do not agree on the potential impact of this missense change (SIFT: "Tolerated"; PolyPhen-2: "Possibly Damaging"; Align-GVGD: "Class C0"). This variant has not been reported in the literature in individuals affected with DNMT1-related conditions. This variant is not present in population databases (gnomAD no frequency). This sequence change replaces leucine, which is neutral and non-polar, with arginine, which is basic and polar, at codon 309 of the DNMT1 protein (p.Leu309Arg).